The following is an entry in ClinVar:

ClinVar aggregate classification (germline): Uncertain significance (1 of 4 stars; one submission).

Conditions:
Dilated cardiomyopathy 1AA (CMD1AA). Also called: CARDIOMYOPATHY, DILATED, 1AA, WITH OR WITHOUT LEFT VENTRICULAR NONCOMPACTION; Cardiomyopathy, dilated, 1AA, with or without LVNC; CARDIOMYOPATHY, FAMILIAL HYPERTROPHIC, 23, WITH OR WITHOUT LEFT VENTRICULAR NONCOMPACTION. Identifiers: Orphanet 154, MedGen C2677338, MONDO:0012808, OMIM 612158.
Primary familial hypertrophic cardiomyopathy (HCM). Identifiers: Orphanet 99739, MedGen C0949658, MeSH D024741, MONDO:0024573. Inheritance: Various modes of inheritance.

Submission:

Labcorp Genetics (formerly Invitae), Labcorp
Classification: Uncertain significance for Primary familial hypertrophic cardiomyopathy; Dilated cardiomyopathy 1AA. Last evaluated: 2022-08-03. Review status: criteria provided, single submitter. Criteria: Invitae Variant Classification Sherloc (09022015). Collection method: clinical testing. Allele origin: germline.
Comment: This variant is not present in population databases (gnomAD no frequency). This sequence change falls in intron 3 of the ACTN2 gene. It does not directly change the encoded amino acid sequence of the ACTN2 protein. This variant has not been reported in the literature in individuals affected with ACTN2-related conditions. In summary, the available evidence is currently insufficient to determine the role of this variant in disease. Therefore, it has been classified as a Variant of Uncertain Significance. Algorithms developed to predict the effect of sequence changes on RNA splicing suggest that this variant may create or strengthen a splice site.

NM_001103.4(ACTN2):c.361+8GT[3]

Gene: ACTN2 (actinin alpha 2; plus strand). Cytogenetic location: 1q43.
Variant type: Microsatellite.
Coding change: c.361+8GT[3] on transcript NM_001103.4 (MANE Select); three copies in a row of the 2-base unit GT starting at c.361+8.
Molecular consequence: intron variant.
Genome position: GRCh38 VCF-style: chr1-236719020-G-GGT. GRCh37 (hg19) VCF-style: chr1-236882320-G-GGT.
Other names: c.-461+8GT[3] (NM_001278344.2); c.361+8GT[3] (NM_001278343.2).
Identifiers: ClinVar variation 2021343 (VCV002021343.4), dbSNP rs2527538676, ClinGen allele CA2580611567.